The following is an entry in ClinVar:

NM_005751.5(AKAP9):c.10787C>T (p.Thr3596Ile)

Gene: AKAP9 (A-kinase anchoring protein 9; plus strand). Cytogenetic location: 7q21.2.
Variant type: single nucleotide variant.
Coding change: c.10787C>T on transcript NM_005751.5 (MANE Select); coding-DNA position 10787, C replaced by T.
Protein change: p.Thr3596Ile; replaces threonine 3596 with isoleucine.
Molecular consequence: missense variant.
Genome position (GRCh38, 1-based): chr7:92,099,760, C>T. VCF-style: chr7-92099760-C-T. GRCh37 (hg19) VCF-style: chr7-91729074-C-T.
Other names: c.5432C>T, p.Thr1811Ile (NM_001379277.1); c.10763C>T, p.Thr3588Ile (NM_147185.3); short protein forms T1811I, T3588I, T3596I.
Identifiers: ClinVar variation 3225003 (VCV003225003.1), dbSNP rs2535308675, ClinGen allele CA368158625.
Genomic context (GRCh38, chr7:92,099,760, plus strand): 5'-CCCCAAGTACTTCTTGTGGCTCATTGACTGAAAGACTACTGAGACAAAATGCTGAGCTGA[C>T]AGGGCATATCAGTCAACTGACTGAAGAGAAGAATGACTTAAGGAACATGGTTATGAAGCT-3'
Protein context (NP_005742.4, residues 3586-3606): ERLLRQNAEL[Thr3596Ile]GHISQLTEEK

ClinVar aggregate classification (germline): Uncertain significance (1 of 4 stars; one submission).

Conditions:
Cardiovascular phenotype. Identifiers: MedGen CN230736.

Allele frequency attached by ClinVar (database versions not stated): gnomAD exomes below 0.00001.
gnomAD v4.1: 1 of 1,614,104 alleles (0.000062%); highest among the groups gnomAD compares: Non-Finnish European, 0.000085%; no homozygotes.

Submission:

Ambry Genetics
Classification: Uncertain significance for Cardiovascular phenotype. Last evaluated: 2023-10-26. Review status: criteria provided, single submitter. Criteria: Ambry Variant Classification Scheme 2023. Collection method: clinical testing. Allele origin: germline.
Comment: The p.T3596I variant (also known as c.10787C>T), located in coding exon 44 of the AKAP9 gene, results from a C to T substitution at nucleotide position 10787. The threonine at codon 3596 is replaced by isoleucine, an amino acid with similar properties. This amino acid position is conserved. In addition, this alteration is predicted to be tolerated by in silico analysis. Since supporting evidence is limited at this time, the clinical significance of this alteration remains unclear.